The following is an entry in ClinVar:

NM_001267550.2(TTN):c.12387G>A (p.Arg4129=)

Gene: TTN (titin; minus strand). Cytogenetic location: 2q31.2.
Variant type: single nucleotide variant.
Coding change: c.12387G>A on transcript NM_001267550.2 (MANE Select); coding-DNA position 12387, G replaced by A.
Protein change: p.Arg4129=; no amino-acid change (arginine 4129 retained).
Molecular consequence: synonymous variant. On other transcripts: intron variant (1).
Genome position (GRCh38, 1-based): chr2:178,740,846, C>T on the plus strand (G>A on the coding strand, the complement: TTN is on the minus strand). VCF-style: chr2-178740846-C-T. GRCh37 (hg19) VCF-style: chr2-179605573-C-T.
Other names: c.11436G>A, p.Arg3812= (NM_001256850.1); c.11298G>A, p.Arg3766= (NM_003319.4); c.11673G>A, p.Arg3891= (NM_133432.3); c.11874G>A, p.Arg3958= (NM_133437.4); c.10361-2486G>A (NM_133378.4).
Identifiers: ClinVar variation 281847 (VCV000281847.42), dbSNP rs199546417, ClinGen allele CA2002723.
Genomic context (GRCh38, chr2:178,740,846, plus strand): 5'-GTTGGGAGATGGTTCCTTGAGAGGCTGAAAGTGAATACTGCCATTGATGCAAAGAAATTC[C>T]CTGGTGCTTTCAGGAGTGAGCTTGTCTTGCTCCAAAATGGATTGCAATTCCTGAGCTCCC-3'
Protein context (NP_001254479.2, residues 4119-4139): EQDKLTPEST[Arg4129=]EFLCINGSIH

ClinVar aggregate classification (germline): Conflicting classifications of pathogenicity. Review status: criteria provided, conflicting classifications (1 of 4 stars). 5 submissions from 5 submitters: Uncertain significance (1); Likely benign (4). Last evaluated 2026-02-02.

Conditions:
Cardiovascular phenotype. Identifiers: MedGen CN230736.
Autosomal recessive limb-girdle muscular dystrophy type 2J (LGMDR10). Also called: Limb-girdle muscular dystrophy, type 2J; MUSCULAR DYSTROPHY, LIMB-GIRDLE, AUTOSOMAL RECESSIVE 10. Identifiers: Orphanet 140922, MedGen C1837342, MONDO:0012127, OMIM 608807.
Dilated cardiomyopathy 1G (CMD1G). Identifiers: Orphanet 154, MedGen C1858763, MONDO:0011400, OMIM 604145.

Allele frequency attached by ClinVar (database versions not stated): gnomAD exomes below 0.00001; ExAC 0.00001; gnomAD 0.00001.
gnomAD v4.1: 4 of 1,613,676 alleles (0.00025%); highest among the groups gnomAD compares: East Asian, 0.0022%; no homozygotes.

Submissions (5):

Labcorp Genetics (formerly Invitae), Labcorp
Classification: Likely benign for Dilated cardiomyopathy 1G; Autosomal recessive limb-girdle muscular dystrophy type 2J. Last evaluated: 2026-02-02. Review status: criteria provided, single submitter. Criteria: Invitae Variant Classification Sherloc (09022015). Collection method: clinical testing. Allele origin: germline.

CeGaT Center for Human Genetics Tuebingen
Classification: Likely benign. Last evaluated: 2023-07-01. Review status: criteria provided, single submitter. Criteria: CeGaT Center For Human Genetics Tuebingen Variant Classification Criteria Version 2. Collection method: clinical testing. Allele origin: germline. Affected: yes. Observed: 1 variant allele.
Comment: TTN: BP4, BP7

Ambry Genetics
Classification: Likely benign for Cardiovascular phenotype. Last evaluated: 2021-08-03. Review status: criteria provided, single submitter. Criteria: Ambry Variant Classification Scheme 2023. Collection method: clinical testing. Allele origin: germline.

Blueprint Genetics
Classification: Likely benign. Last evaluated: 2019-07-18. Review status: criteria provided, single submitter. Criteria: ACMG Guidelines, 2015. Collection method: clinical testing. Allele origin: germline.

Eurofins Ntd Llc (ga)
Classification: Uncertain significance. Last evaluated: 2015-07-21. Review status: criteria provided, single submitter. Criteria: EGL Classification Definitions 2015. Collection method: clinical testing. Allele origin: germline. Observed: 1 variant allele, 1 heterozygote.